The following is an entry in ClinVar:

GRCh38/hg38 6q26(chr6:162233059-162579288)x1

Genes: LNCR-SMAL (lncRNA senescence and mitophagy associated regulator of PRKN; plus strand), PRKN (parkin RBR E3 ubiquitin protein ligase; minus strand). Cytogenetic location: 6q26.
Variant type: copy number loss.
Change: copy number 1 (one copy instead of two) of chr6:162,233,059-162,579,288 (346.2 kb, GRCh38 coordinates, 1-based), cytogenetic band 6q26.
Identifiers: ClinVar variation 58834 (VCV000058834.1).

ClinVar aggregate classification (germline): Uncertain significance (1 of 4 stars; one submission).

Submission:

ISCA site 14
Classification: Uncertain significance. Last evaluated: 2011-08-12. Review status: criteria provided, single submitter. Criteria: Kaminsky et al. (Genet Med. 2011). Collection method: clinical testing. Allele origin: maternal. Affected: yes. Observed: 1 variant allele.
Comment: Copy number variation identified through the course of routine clinical cytogenomic testing in postnatal populations. Clinical assertions have been curated as described in Kaminsky et al. 2011.